The following is an entry in ClinVar:

NM_012479.4(YWHAG):c.183_194del (p.Arg61_Ser64del)

Gene: YWHAG (tyrosine 3-monooxygenase/tryptophan 5-monooxygenase activation protein gamma; minus strand). Cytogenetic location: 7q11.23.
Variant type: Deletion.
Coding change: c.183_194del on transcript NM_012479.4 (MANE Select); coding-DNA positions 183 to 194, 12 bases deleted (GGTCATCAGTAG).
Protein change: p.Arg61_Ser64del.
Molecular consequence: inframe deletion.
Genome position (GRCh38, 1-based): chr7:76,330,127-76,330,138, CTACTGATGACC deleted on the plus strand (GGTCATCAGTAG on the coding strand, the reverse complement: YWHAG is on the minus strand); deleting any 12 consecutive bases within chr7:76,330,127-76,330,140 gives the same sequence; the c. name uses the placement nearest the transcript's 3' end. VCF-style (leftmost placement, unchanged base first): chr7-76330126-GCTACTGATGACC-G. GRCh37 (hg19) VCF-style: chr7-75959443-GCTACTGATGACC-G.
Identifiers: ClinVar variation 1520046 (VCV001520046.8), dbSNP rs2115589017, ClinGen allele CA2573142323.
Genomic context (GRCh38, chr7:76,330,126, plus strand): 5'-GTACGCACGGACCATCTCAATCTTCTTCTCATTGCCGTCTGCAGATGTCTTCTGCTCAAT[GCTACTGATGACC>G]CTCCAGGAAGAGCGGCGTGCCCCCACAACGTTCTTGTAGGCCACAGACAGAAGGTTTCGT-3'

ClinVar aggregate classification (germline): Uncertain significance (1 of 4 stars; one submission).

Submission:

Labcorp Genetics (formerly Invitae), Labcorp
Classification: Uncertain significance. Last evaluated: 2022-06-20. Review status: criteria provided, single submitter. Criteria: Invitae Variant Classification Sherloc (09022015). Collection method: clinical testing. Allele origin: germline.
Comment: This variant, c.183_194del, results in the deletion of 4 amino acid(s) of the YWHAG protein (p.Arg61_Ser64del), but otherwise preserves the integrity of the reading frame. This variant is not present in population databases (gnomAD no frequency). This variant has not been reported in the literature in individuals affected with YWHAG-related conditions. Experimental studies and prediction algorithms are not available or were not evaluated, and the functional significance of this variant is currently unknown. In summary, the available evidence is currently insufficient to determine the role of this variant in disease. Therefore, it has been classified as a Variant of Uncertain Significance.